The following is an entry in ClinVar:

ClinVar aggregate classification (germline): Benign (1 of 4 stars; one submission).

Allele frequency attached by ClinVar (database versions not stated): 1000 Genomes Project 0.00080; 1000 Genomes Project 30x 0.00109; gnomAD 0.00236; ExAC 0.00244; TOPMed 0.00255; ESP Exome Variant Server 0.00269.

Submission:

CeGaT Center for Human Genetics Tuebingen
Classification: Benign. Last evaluated: 2022-09-01. Review status: criteria provided, single submitter. Criteria: CeGaT Center For Human Genetics Tuebingen Variant Classification Criteria Version 2. Collection method: clinical testing. Allele origin: germline. Affected: yes. Observed: 1 variant allele.
Comment: BAIAP3: BS1, BS2

NM_001199097.2(BAIAP3):c.1624G>A (p.Asp542Asn)

Gene: BAIAP3 (BAI1 associated protein 3; plus strand). Cytogenetic location: 16p13.3.
Variant type: single nucleotide variant.
Coding change: c.1624G>A on transcript NM_001199097.2 (MANE Select); coding-DNA position 1624, G replaced by A.
Protein change: p.Asp542Asn; replaces aspartic acid 542 with asparagine.
Molecular consequence: missense variant.
Genome position (GRCh38, 1-based): chr16:1,344,490, G>A. VCF-style: chr16-1344490-G-A. GRCh37 (hg19) VCF-style: chr16-1394491-G-A.
Other names: c.1516G>A, p.Asp506Asn (NM_001199096.2); c.1555G>A, p.Asp519Asn (NM_001199098.2); c.1540G>A, p.Asp514Asn (NM_001199099.2); c.1675G>A, p.Asp559Asn (NM_001286464.2); c.1729G>A, p.Asp577Asn (NM_003933.5); short protein forms D506N, D514N, D519N, D542N, D559N, D577N.
Identifiers: ClinVar variation 2645893 (VCV002645893.24), dbSNP rs114280977, ClinGen allele CA7806029.